The following is an entry in ClinVar:

NM_006019.4(TCIRG1):c.2402T>C (p.Leu801Pro)

Gene: TCIRG1 (T cell immune regulator 1, ATPase H+ transporting V0 subunit a3; plus strand). Cytogenetic location: 11q13.2.
Variant type: single nucleotide variant.
Coding change: c.2402T>C on transcript NM_006019.4 (MANE Select); coding-DNA position 2402, T replaced by C.
Protein change: p.Leu801Pro; replaces leucine 801 with proline.
Molecular consequence: missense variant.
Genome position (GRCh38, 1-based): chr11:68,050,652, T>C. VCF-style: chr11-68050652-T-C. GRCh37 (hg19) VCF-style: chr11-67818119-T-C.
Other names: c.1508T>C, p.Leu503Pro (NM_001351059.2); c.1754T>C, p.Leu585Pro (NM_006053.4); short protein forms L585P, L503P, L801P.
Identifiers: ClinVar variation 2092152 (VCV002092152.4), dbSNP rs2495672241, ClinGen allele CA381592234.

ClinVar aggregate classification (germline): Uncertain significance (1 of 4 stars; one submission).

Submission:

Labcorp Genetics (formerly Invitae), Labcorp
Classification: Uncertain significance. Last evaluated: 2022-02-02. Review status: criteria provided, single submitter. Criteria: Invitae Variant Classification Sherloc (09022015). Collection method: clinical testing. Allele origin: germline.
Comment: Algorithms developed to predict the effect of missense changes on protein structure and function are either unavailable or do not agree on the potential impact of this missense change (SIFT: "Deleterious"; PolyPhen-2: "Possibly Damaging"; Align-GVGD: "Class C0"). In summary, the available evidence is currently insufficient to determine the role of this variant in disease. Therefore, it has been classified as a Variant of Uncertain Significance. This variant has not been reported in the literature in individuals affected with TCIRG1-related conditions. This variant is not present in population databases (gnomAD no frequency). This sequence change replaces leucine, which is neutral and non-polar, with proline, which is neutral and non-polar, at codon 801 of the TCIRG1 protein (p.Leu801Pro).